The following is an entry in ClinVar:

NM_000937.5(POLR2A):c.1219C>T (p.Arg407Cys)

Gene: POLR2A (RNA polymerase II subunit A; plus strand). Cytogenetic location: 17p13.1.
Variant type: single nucleotide variant.
Coding change: c.1219C>T on transcript NM_000937.5 (MANE Select); coding-DNA position 1219, C replaced by T.
Protein change: p.Arg407Cys; replaces arginine 407 with cysteine.
Molecular consequence: missense variant.
Genome position (GRCh38, 1-based): chr17:7,498,094, C>T. VCF-style: chr17-7498094-C-T. GRCh37 (hg19) VCF-style: chr17-7401413-C-T.
Other names: short protein forms R407C.
Identifiers: ClinVar variation 1354876 (VCV001354876.6), dbSNP rs987372651, ClinGen allele CA287473200.
Genomic context (GRCh38, chr17:7,498,094, plus strand): 5'-TATTTTAGGAAGCATTGAGTTCATTGCACCTCTTTCCTTCCTAGACTTCAAGAACTAGTG[C>T]GCAGGGGGAACAGCCAGTACCCAGGCGCCAAGTACATCATCCGAGACAATGGTGATCGCA-3'
Protein context (NP_000928.1, residues 397-417): FNIDRLQELV[Arg407Cys]RGNSQYPGAK

ClinVar aggregate classification (germline): Uncertain significance (1 of 4 stars; one submission).

Allele frequency attached by ClinVar (database versions not stated): gnomAD exomes below 0.00001; gnomAD 0.00001; TOPMed 0.00001.

Submission:

Labcorp Genetics (formerly Invitae), Labcorp
Classification: Uncertain significance. Last evaluated: 2024-06-08. Review status: criteria provided, single submitter. Criteria: Invitae Variant Classification Sherloc (09022015). Collection method: clinical testing. Allele origin: germline.
Comment: This sequence change replaces arginine, which is basic and polar, with cysteine, which is neutral and slightly polar, at codon 407 of the POLR2A protein (p.Arg407Cys). This variant is present in population databases (no rsID available, gnomAD 0.0009%). This variant has not been reported in the literature in individuals affected with POLR2A-related conditions. ClinVar contains an entry for this variant (Variation ID: 1354876). An algorithm developed to predict the effect of missense changes on protein structure and function (PolyPhen-2) suggests that this variant is likely to be disruptive. In summary, the available evidence is currently insufficient to determine the role of this variant in disease. Therefore, it has been classified as a Variant of Uncertain Significance.